The following is an entry in ClinVar:

NM_020433.5(JPH2):c.874A>C (p.Met292Leu)

Gene: JPH2 (junctophilin 2; minus strand). Cytogenetic location: 20q13.12.
Variant type: single nucleotide variant.
Coding change: c.874A>C on transcript NM_020433.5 (MANE Select); coding-DNA position 874, A replaced by C.
Protein change: p.Met292Leu; replaces methionine 292 with leucine.
Molecular consequence: missense variant.
Genome position (GRCh38, 1-based): chr20:44,159,913, T>G on the plus strand (A>C on the coding strand, the complement: JPH2 is on the minus strand). VCF-style: chr20-44159913-T-G. GRCh37 (hg19) VCF-style: chr20-42788553-T-G.
Other names: short protein forms M292L.
Identifiers: ClinVar variation 2885451 (VCV002885451.5), dbSNP rs753442824, ClinGen allele CA9868794.

ClinVar aggregate classification (germline): Uncertain significance. Review status: criteria provided, multiple submitters, no conflicts (2 of 4 stars). 3 submissions from 3 submitters: Uncertain significance (3). Last evaluated 2024-10-04.

Conditions:
Hypertrophic cardiomyopathy 17. Identifiers: MedGen C3151264, MONDO:0013474, OMIM 613873.
Cardiomyopathy, dilated, 2E. Identifiers: MedGen C5561970, MONDO:0030366, OMIM 619492.
Cardiovascular phenotype. Identifiers: MedGen CN230736.
Hypertrophic cardiomyopathy. Also called: HYPERTROPHIC MYOCARDIOPATHY. Identifiers: Orphanet 217569, MedGen C0007194, MeSH D002312, MONDO:0005045, HP:0001639.

Allele frequency attached by ClinVar (database versions not stated): ExAC 0.00001; gnomAD 0.00001.
gnomAD v4.1: 4 of 1,612,290 alleles (0.00025%); highest among the groups gnomAD compares: Non-Finnish European, 0.00034%; no homozygotes.

Submissions (3):

Ambry Genetics
Classification: Uncertain significance for Cardiovascular phenotype. Last evaluated: 2024-10-04. Review status: criteria provided, single submitter. Criteria: Ambry Variant Classification Scheme 2023. Collection method: clinical testing. Allele origin: germline.
Comment: The p.M292L variant (also known as c.874A>C), located in coding exon 2 of the JPH2 gene, results from an A to C substitution at nucleotide position 874. The methionine at codon 292 is replaced by leucine, an amino acid with highly similar properties. This amino acid position is conserved. In addition, this alteration is predicted to be tolerated by in silico analysis. Based on the available evidence, the clinical significance of this variant remains unclear.

Fulgent Genetics
Classification: Uncertain significance for Hypertrophic cardiomyopathy 17; Cardiomyopathy, dilated, 2E. Last evaluated: 2024-03-06. Review status: criteria provided, single submitter. Criteria: ACMG Guidelines, 2015. Collection method: clinical testing. Allele origin: germline.

Labcorp Genetics (formerly Invitae), Labcorp
Classification: Uncertain significance for Hypertrophic cardiomyopathy. Last evaluated: 2023-10-04. Review status: criteria provided, single submitter. Criteria: Invitae Variant Classification Sherloc (09022015). Collection method: clinical testing. Allele origin: germline.
Comment: This sequence change replaces methionine, which is neutral and non-polar, with leucine, which is neutral and non-polar, at codon 292 of the JPH2 protein (p.Met292Leu). This variant is present in population databases (rs753442824, gnomAD 0.0009%). This variant has not been reported in the literature in individuals affected with JPH2-related conditions. An algorithm developed to predict the effect of missense changes on protein structure and function (PolyPhen-2) suggests that this variant is likely to be disruptive. In summary, the available evidence is currently insufficient to determine the role of this variant in disease. Therefore, it has been classified as a Variant of Uncertain Significance.